The following is an entry in ClinVar:

ClinVar aggregate classification (germline): Uncertain significance (1 of 4 stars; one submission).

Conditions:
Developmental and epileptic encephalopathy, 42 (DEE42A). Also called: DEVELOPMENTAL AND EPILEPTIC ENCEPHALOPATHY 42A; EPILEPTIC ENCEPHALOPATHY, EARLY INFANTILE, 42A; Epileptic encephalopathy, early infantile, 42. Identifiers: MedGen C4310716, MONDO:0014917, OMIM 617106.
Episodic ataxia type 2 (EA2). Also called: ATAXIA, EPISODIC, WITH NYSTAGMUS; ATAXIA, FAMILIAL PAROXYSMAL; CEREBELLAR ATAXIA, PAROXYSMAL, ACETAZOLAMIDE-RESPONSIVE; ACETAZOLAMIDE-RESPONSIVE HEREDITARY PAROXYSMAL CEREBELLAR ATAXIA; CEREBELLOPATHY, HEREDITARY PAROXYSMAL; EPISODIC ATAXIA, NYSTAGMUS-ASSOCIATED. Identifiers: Orphanet 97, MedGen C1720416, MONDO:0007163, OMIM 108500.

Submission:

Labcorp Genetics (formerly Invitae), Labcorp
Classification: Uncertain significance for Developmental and epileptic encephalopathy, 42; Episodic ataxia type 2. Last evaluated: 2022-02-24. Review status: criteria provided, single submitter. Criteria: Invitae Variant Classification Sherloc (09022015). Collection method: clinical testing. Allele origin: germline.
Comment: This variant has not been reported in the literature in individuals affected with CACNA1A-related conditions. ClinVar contains an entry for this variant (Variation ID: 947721). Advanced modeling of protein sequence and biophysical properties (such as structural, functional, and spatial information, amino acid conservation, physicochemical variation, residue mobility, and thermodynamic stability) performed at Invitae indicates that this missense variant is expected to disrupt CACNA1A protein function. This sequence change replaces glycine, which is neutral and non-polar, with alanine, which is neutral and non-polar, at codon 1401 of the CACNA1A protein (p.Gly1401Ala). This variant is not present in population databases (gnomAD no frequency). In summary, the available evidence is currently insufficient to determine the role of this variant in disease. Therefore, it has been classified as a Variant of Uncertain Significance.

NM_001127222.2(CACNA1A):c.4199G>C (p.Gly1400Ala)

Genes: CACNA1A (calcium voltage-gated channel subunit alpha1 A; minus strand), LOC126862864 (MED14-independent group 3 enhancer GRCh37_chr19:13371552-13372751; plus strand). Cytogenetic location: 19p13.13.
Variant type: single nucleotide variant.
Coding change: c.4199G>C on transcript NM_001127222.2 (MANE Select); coding-DNA position 4199, G replaced by C.
Protein change: p.Gly1400Ala; replaces glycine 1400 with alanine.
Molecular consequence: missense variant.
Genome position (GRCh38, 1-based): chr19:13,261,501, C>G on the plus strand (G>C on the coding strand, the complement: CACNA1A is on the minus strand). VCF-style: chr19-13261501-C-G. GRCh37 (hg19) VCF-style: chr19-13372315-C-G.
Other names: c.4211G>C, p.Gly1404Ala (NM_000068.4, NM_023035.3); c.4202G>C, p.Gly1401Ala (NM_001127221.2, NM_001174080.2); short protein forms G1400A, G1401A, G1404A.
Identifiers: ClinVar variation 947721 (VCV000947721.10), dbSNP rs1555745111, ClinGen allele CA404339646.